The following is an entry in ClinVar:

NM_005050.4(ABCD4):c.751C>T (p.Arg251Cys)

Gene: ABCD4 (ATP binding cassette subfamily D member 4; minus strand). Cytogenetic location: 14q24.3.
Variant type: single nucleotide variant.
Coding change: c.751C>T on transcript NM_005050.4 (MANE Select); coding-DNA position 751, C replaced by T.
Protein change: p.Arg251Cys; replaces arginine 251 with cysteine.
Molecular consequence: missense variant. On other transcripts: non-coding transcript variant (6), intron variant (9).
Genome position (GRCh38, 1-based): chr14:74,293,217, G>A on the plus strand (C>T on the coding strand, the complement: ABCD4 is on the minus strand). VCF-style: chr14-74293217-G-A. GRCh37 (hg19) VCF-style: chr14-74759920-G-A.
Other names: c.625C>T, p.Arg209Cys (NM_001353591.2, NM_001353592.2); c.490C>T, p.Arg164Cys (NM_001353593.2); c.439C>T, p.Arg147Cys (NM_001353594.2); c.337C>T, p.Arg113Cys (NM_001353595.2, NM_001353596.2); c.286C>T, p.Arg96Cys (NM_001353597.2); c.274C>T, p.Arg92Cys (NM_001353598.2, NM_001353599.2, NM_001353600.2 and 2 more transcripts); c.751C>T, p.Arg251Cys (NM_020325.3); c.26-348C>T (NM_001353607.2, NM_001353604.2, NM_001353603.2 and 6 more transcripts); short protein forms R251C, R147C, R209C, R92C, R113C, R164C, R96C.
Identifiers: ClinVar variation 382479 (VCV000382479.18), dbSNP rs141868117, ClinGen allele CA7267070.

ClinVar aggregate classification (germline): Conflicting classifications of pathogenicity. Review status: criteria provided, conflicting classifications (1 of 4 stars). 5 submissions from 5 submitters: Uncertain significance (3); Likely benign (1). 1 of the submissions does not count toward it. Last evaluated 2026-01-28.

Conditions:
ABCD4-related disorder. Also called: ABCD4-related condition.
Methylmalonic acidemia with homocystinuria, type cblJ (MAHCJ). Also called: METHYLMALONIC ACIDURIA AND HOMOCYSTINURIA, cblJ TYPE. Identifiers: Orphanet 369955, MedGen C3553915, MONDO:0013925, OMIM 614857.

Allele frequency attached by ClinVar (database versions not stated): 1000 Genomes Project 0.00060; 1000 Genomes Project 30x 0.00062; TOPMed 0.00128; gnomAD 0.00140 and 0.00150; ExAC 0.00147; gnomAD exomes 0.00148; ESP Exome Variant Server 0.00161.
gnomAD v4.1: 2,596 of 1,614,144 alleles (0.16%); highest among the groups gnomAD compares: Non-Finnish European, 0.19%; 3 homozygotes.

Submissions (5):

Labcorp Genetics (formerly Invitae), Labcorp
Classification: Likely benign for Methylmalonic acidemia with homocystinuria, type cblJ. Last evaluated: 2026-01-28. Review status: criteria provided, single submitter. Criteria: Invitae Variant Classification Sherloc (09022015). Collection method: clinical testing. Allele origin: germline.

Blueprint Genetics
Classification: Uncertain significance. Last evaluated: 2024-11-26. Review status: criteria provided, single submitter. Criteria: ACMG Guidelines, 2015. Collection method: clinical testing. Allele origin: germline.

CENTOGENE GmbH and LLC - Guiding Precision Medicine
Classification: Uncertain significance for Methylmalonic acidemia with homocystinuria, type cblJ. Last evaluated: 2018-10-29. Review status: criteria provided, single submitter. Criteria: ACMG Guidelines, 2015. Collection method: clinical testing. Allele origin: germline.

GeneDx
Classification: Uncertain significance. Last evaluated: 2018-03-30. Review status: criteria provided, single submitter. Criteria: GeneDx Variant Classification (06012015). Collection method: clinical testing. Allele origin: germline. Affected: yes.
Comment: The R251C variant has not been published as a pathogenic variant, nor has it been reported as a benign variant to our knowledge. The R251C variant is observed in 40/10,146 (0.4%) alleles from individuals of Ashkenazi Jewish background, in large population cohorts the ExAC dataset (Lek et al., 2016); The R251C variant is a non-conservative amino acid substitution, which is likely to impact secondary protein structure as these residues differ in polarity, charge, size and/or other properties. In-silico analyses, including protein predictors and evolutionary conservation, support a deleterious effect. In summary, based on the currently available information, it is unclear whether this variant is a pathogenic variant or a rare benign variant.

PreventionGenetics, part of Exact Sciences
Classification: Likely benign for ABCD4-related condition. Last evaluated: 2023-03-19. Review status: no assertion criteria provided. Collection method: clinical testing. Allele origin: germline. Not counted in ClinVar's aggregate classification.
Comment: This variant is classified as likely benign based on ACMG/AMP sequence variant interpretation guidelines (Richards et al. 2015 PMID: 25741868, with internal and published modifications).